The following is an entry in ClinVar:

NM_000368.5(TSC1):c.1196C>T (p.Pro399Leu)

Gene: TSC1 (TSC complex subunit 1; minus strand). Cytogenetic location: 9q34.13.
Variant type: single nucleotide variant.
Coding change: c.1196C>T on transcript NM_000368.5 (MANE Select); coding-DNA position 1196, C replaced by T.
Protein change: p.Pro399Leu; replaces proline 399 with leucine.
Molecular consequence: missense variant.
Genome position (GRCh38, 1-based): chr9:132,910,638, G>A on the plus strand (C>T on the coding strand, the complement: TSC1 is on the minus strand). VCF-style: chr9-132910638-G-A. GRCh37 (hg19) VCF-style: chr9-135786025-G-A.
Other names: c.1196C>T (NM_000368.4); c.1193C>T, p.Pro398Leu (NM_001162426.2); c.1043C>T, p.Pro348Leu (NM_001162427.2); c.833C>T, p.Pro278Leu (NM_001362177.2); short protein forms P399L, P278L, P398L, P348L.
Identifiers: ClinVar variation 1394190 (VCV001394190.10), dbSNP rs761014195, ClinGen allele CA027231.

ClinVar aggregate classification (germline): Conflicting classifications of pathogenicity. Review status: criteria provided, conflicting classifications (1 of 4 stars). 3 submissions from 3 submitters: Uncertain significance (2); Benign (1). Last evaluated 2026-01-18.

Conditions:
Lymphangiomyomatosis (LAM). Also called: Lymphangioleiomyomatosis, somatic; Lymphangioleiomyomatosis. Identifiers: Orphanet 538, MedGen C0751674, MONDO:0011705, OMIM 606690.
Isolated focal cortical dysplasia type II (FCORD2). Also called: Focal cortical dysplasia type II; CORTICAL DYSPLASIA OF TAYLOR. Identifiers: Orphanet 268994, MedGen C1846385, MONDO:0011818, OMIM 607341, HP:0032051.
Tuberous sclerosis 1 (TSC1). Identifiers: Orphanet 805, MedGen C1854465, MONDO:0008612, OMIM 191100.
Hereditary cancer-predisposing syndrome. Also called: Hereditary neoplastic syndrome; Tumor predisposition; Neoplastic Syndromes, Hereditary; Hereditary Cancer Syndrome. Identifiers: Orphanet 140162, MedGen C0027672, MeSH D009386, MONDO:0015356.

Allele frequency attached by ClinVar (database versions not stated): gnomAD exomes below 0.00001; TOPMed below 0.00001; ExAC 0.00001; gnomAD 0.00001.
gnomAD v4.1: 2 of 1,613,990 alleles (0.00012%); highest among the groups gnomAD compares: African/African-American, 0.0027%; no homozygotes.

Submissions (3):

Ambry Genetics
Classification: Uncertain significance for Hereditary cancer-predisposing syndrome. Last evaluated: 2026-01-18. Review status: criteria provided, single submitter. Criteria: Ambry Variant Classification Scheme 2023. Collection method: clinical testing. Allele origin: germline.
Comment: The p.P399L variant (also known as c.1196C>T), located in coding exon 10 of the TSC1 gene, results from a C to T substitution at nucleotide position 1196. The proline at codon 399 is replaced by leucine, an amino acid with similar properties. This amino acid position is conserved. In addition, this alteration is predicted to be tolerated by in silico analysis. Based on the available evidence, the clinical significance of this variant remains unclear.

Labcorp Genetics (formerly Invitae), Labcorp
Classification: Benign for Tuberous sclerosis 1. Last evaluated: 2025-09-10. Review status: criteria provided, single submitter. Criteria: Invitae Variant Classification Sherloc (09022015). Collection method: clinical testing. Allele origin: germline.

Fulgent Genetics
Classification: Uncertain significance for Tuberous sclerosis 1; Lymphangiomyomatosis; Isolated focal cortical dysplasia type II. Last evaluated: 2023-12-24. Review status: criteria provided, single submitter. Criteria: ACMG Guidelines, 2015. Collection method: clinical testing. Allele origin: germline.